The following is an entry in ClinVar:

ClinVar aggregate classification (germline): Likely benign. Review status: criteria provided, multiple submitters, no conflicts (2 of 4 stars). 2 submissions from 2 submitters: Likely benign (2). Last evaluated 2026-08-01.

Allele frequency attached by ClinVar (database versions not stated): gnomAD exomes 0.00003 and 0.00012; gnomAD 0.00009 and 0.00010; ExAC 0.00013; TOPMed 0.00022.
gnomAD v4.1: 60 of 1,203,019 alleles (0.005%); highest among the groups gnomAD compares: Admixed American, 0.086%; 1 homozygote.

Submissions (2):

CeGaT Center for Human Genetics Tuebingen
Classification: Likely benign. Last evaluated: 2026-08-01. Review status: criteria provided, single submitter. Criteria: CeGaT Center For Human Genetics Tuebingen Variant Classification Criteria Version 2. Collection method: clinical testing. Allele origin: germline. Affected: yes. Observed: 2 variant alleles.
Comment: CCDC22: BS2

Labcorp Genetics (formerly Invitae), Labcorp
Classification: Likely benign. Last evaluated: 2019-12-31. Review status: criteria provided, single submitter. Criteria: Invitae Variant Classification Sherloc (09022015). Collection method: clinical testing. Allele origin: germline.

NM_014008.5(CCDC22):c.573A>C (p.Pro191=)

Gene: CCDC22 (CCC complex scaffolding subunit CCDC22; plus strand). Cytogenetic location: Xp11.23.
Variant type: single nucleotide variant.
Coding change: c.573A>C on transcript NM_014008.5 (MANE Select); coding-DNA position 573, A replaced by C.
Protein change: p.Pro191=; no amino-acid change (proline 191 retained).
Molecular consequence: synonymous variant.
Genome position (GRCh38, 1-based): chrX:49,243,321, A>C. VCF-style: chrX-49243321-A-C. GRCh37 (hg19) VCF-style: chrX-49099787-A-C.
Identifiers: ClinVar variation 733237 (VCV000733237.10), dbSNP rs782598913, ClinGen allele CA10411280.